The following is an entry in ClinVar:

ClinVar aggregate classification (germline): Pathogenic (1 of 4 stars; one submission).

Conditions:
Cerebral cavernous malformation (CCM). Also called: Cerebral cavernous malformations; CAVERNOUS ANGIOMA, FAMILIAL; CAVERNOUS ANGIOMATOUS MALFORMATIONS; CEREBRAL CAPILLARY MALFORMATIONS; Cavernous Hemangioma of Brain; Cerebral cavernous hemangioma (type). Identifiers: Orphanet 221061, MedGen C2919945, MONDO:0000820, OMIM 116860, HP:0033522.

Submission:

Labcorp Genetics (formerly Invitae), Labcorp
Classification: Pathogenic for Cerebral cavernous malformation. Last evaluated: 2026-02-01. Review status: criteria provided, single submitter. Criteria: Invitae Variant Classification Sherloc (09022015). Collection method: clinical testing. Allele origin: germline.
Comment: This sequence change creates a premature translational stop signal (p.Gln622Serfs*35) in the KRIT1 gene. It is expected to result in an absent or disrupted protein product. Loss-of-function variants in KRIT1 are known to be pathogenic (PMID: 10508515, 11222804, 12404106, 24689081). This variant is not present in population databases (gnomAD no frequency). This variant has not been reported in the literature in individuals affected with KRIT1-related conditions. For these reasons, this variant has been classified as Pathogenic.

Literature cited by the submitters: PubMed 10508515; PubMed 11222804; PubMed 12404106; PubMed 24689081.

NM_194454.3(KRIT1):c.1856_1862dup (p.Gln622fs)

Gene: KRIT1 (KRIT1 ankyrin repeat containing; minus strand). Cytogenetic location: 7q21.2.
Variant type: Duplication.
Coding change: c.1856_1862dup on transcript NM_194454.3 (MANE Select); coding-DNA positions 1856 to 1862, 7 bases duplicated (ATCACCT; older notation c.1856_1862dupATCACCT).
Protein change: p.Gln622fs; shifts the reading frame from glutamine 622.
Molecular consequence: frameshift variant.
Genome position (GRCh38, 1-based): chr7:92,213,358-92,213,364, AGGTGAT duplicated on the plus strand (ATCACCT on the coding strand, the reverse complement: KRIT1 is on the minus strand). VCF-style (leftmost placement, unchanged base first): chr7-92213357-A-AAGGTGAT. GRCh37 (hg19) VCF-style: chr7-91842671-A-AAGGTGAT.
Other names: c.1712_1718dup, p.Gln574fs (NM_001013406.2, NM_001350669.1, NM_001350670.1); c.1142_1148dup, p.Gln384fs (NM_001350671.1); c.1856_1862dup, p.Gln622fs (NM_001350672.1, NM_001350673.1, NM_001350674.1 and 26 more transcripts); short protein forms Q384fs, Q622fs, Q574fs.
Identifiers: ClinVar variation 4725880 (VCV004725880.1).